The following is an entry in ClinVar:

ClinVar aggregate classification (germline): Uncertain significance (0 of 4 stars; one submission).

Conditions:
MACF1-related disorder. Also called: MACF1-related condition.

Allele frequency attached by ClinVar (database versions not stated): TOPMed below 0.00001; gnomAD exomes 0.00001.
gnomAD v4.1: 4 of 1,614,130 alleles (0.00025%); highest among the groups gnomAD compares: East Asian, 0.0089%; no homozygotes.

Submission:

PreventionGenetics, part of Exact Sciences
Classification: Uncertain significance for MACF1-related condition. Last evaluated: 2023-11-20. Review status: no assertion criteria provided. Collection method: clinical testing. Allele origin: germline.
Comment: The MACF1 c.11992G>A variant is predicted to result in the amino acid substitution p.Glu3998Lys. To our knowledge, this variant has not been reported in the literature or in a large population database, indicating this variant is rare. At this time, the clinical significance of this variant is uncertain due to the absence of conclusive functional and genetic evidence.

NM_001394062.1(MACF1):c.18169G>A (p.Glu6057Lys)

Gene: MACF1 (microtubule actin crosslinking factor 1; plus strand). Cytogenetic location: 1p34.3.
Variant type: single nucleotide variant.
Coding change: c.18169G>A on transcript NM_001394062.1 (MANE Select); coding-DNA position 18169, G replaced by A.
Protein change: p.Glu6057Lys; replaces glutamic acid 6057 with lysine.
Molecular consequence: missense variant.
Genome position (GRCh38, 1-based): chr1:39,437,957, G>A. VCF-style: chr1-39437957-G-A. GRCh37 (hg19) VCF-style: chr1-39903629-G-A.
Other names: c.6247G>A, p.Glu2083Lys (NM_001397473.1); c.11992G>A, p.Glu3998Lys (NM_012090.5); short protein forms E2083K, E3998K, E6057K.
Identifiers: ClinVar variation 3059853 (VCV003059853.2), dbSNP rs1557654691, ClinGen allele CA339807811.